The following is an entry in ClinVar:

ClinVar aggregate classification (germline): Uncertain significance. Review status: criteria provided, multiple submitters, no conflicts (2 of 4 stars). 2 submissions from 2 submitters: Uncertain significance (2). Last evaluated 2025-06-11.

Conditions:
Autosomal dominant limb-girdle muscular dystrophy type 1F (LGMDD2). Also called: Limb-girdle muscular dystrophy, type 1F; MUSCULAR DYSTROPHY, LIMB-GIRDLE, AUTOSOMAL DOMINANT 2. Identifiers: Orphanet 55595, MedGen C1842062, MONDO:0012034, OMIM 608423.

Submissions (2):

GeneDx
Classification: Uncertain significance. Last evaluated: 2025-06-11. Review status: criteria provided, single submitter. Criteria: GeneDx Variant Classification Process June 2021. Collection method: clinical testing. Allele origin: germline. Affected: yes.
Comment: Not observed at significant frequency in large population cohorts (gnomAD); In silico analysis supports that this missense variant has a deleterious effect on protein structure/function; Has not been previously published as pathogenic or benign to our knowledge

Labcorp Genetics (formerly Invitae), Labcorp
Classification: Uncertain significance for Autosomal dominant limb-girdle muscular dystrophy type 1F. Last evaluated: 2024-12-13. Review status: criteria provided, single submitter. Criteria: Invitae Variant Classification Sherloc (09022015). Collection method: clinical testing. Allele origin: germline.
Comment: This sequence change replaces alanine, which is neutral and non-polar, with valine, which is neutral and non-polar, at codon 439 of the TNPO3 protein (p.Ala439Val). This variant is not present in population databases (gnomAD no frequency). This variant has not been reported in the literature in individuals affected with TNPO3-related conditions. Invitae Evidence Modeling of protein sequence and biophysical properties (such as structural, functional, and spatial information, amino acid conservation, physicochemical variation, residue mobility, and thermodynamic stability) indicates that this missense variant is not expected to disrupt TNPO3 protein function with a negative predictive value of 80%. In summary, the available evidence is currently insufficient to determine the role of this variant in disease. Therefore, it has been classified as a Variant of Uncertain Significance.

NM_012470.4(TNPO3):c.1316C>T (p.Ala439Val)

Gene: TNPO3 (transportin 3; minus strand). Cytogenetic location: 7q32.1.
Variant type: single nucleotide variant.
Coding change: c.1316C>T on transcript NM_012470.4 (MANE Select); coding-DNA position 1316, C replaced by T.
Protein change: p.Ala439Val; replaces alanine 439 with valine.
Molecular consequence: missense variant. On other transcripts: non-coding transcript variant (16).
Genome position (GRCh38, 1-based): chr7:128,992,041, G>A on the plus strand (C>T on the coding strand, the complement: TNPO3 is on the minus strand). VCF-style: chr7-128992041-G-A. GRCh37 (hg19) VCF-style: chr7-128632095-G-A.
Other names: c.1316C>T (NM_012470.3); c.1316C>T, p.Ala439Val (NM_001191028.3, NM_001382216.1, NM_001382218.1 and 2 more transcripts); c.1397C>T, p.Ala466Val (NM_001382217.1); c.1208C>T, p.Ala403Val (NM_001382219.1); c.1172C>T, p.Ala391Val (NM_001382221.1); c.1169C>T, p.Ala390Val (NM_001382222.1); short protein forms A390V, A391V, A403V, A439V, A466V.
Identifiers: ClinVar variation 3626195 (VCV003626195.3).